The following is an entry in ClinVar:

NM_173582.6(PGM2L1):c.1275T>C (p.Asn425=)

Gene: PGM2L1 (phosphoglucomutase 2 like 1; minus strand). Cytogenetic location: 11q13.4.
Variant type: single nucleotide variant.
Coding change: c.1275T>C on transcript NM_173582.6 (MANE Select); coding-DNA position 1275, T replaced by C.
Protein change: p.Asn425=; no amino-acid change (asparagine 425 retained).
Molecular consequence: synonymous variant.
Genome position (GRCh38, 1-based): chr11:74,343,360, A>G on the plus strand (T>C on the coding strand, the complement: PGM2L1 is on the minus strand). VCF-style: chr11-74343360-A-G. GRCh37 (hg19) VCF-style: chr11-74054405-A-G.
Identifiers: ClinVar variation 5040056 (VCV005040056.1).
Genomic context (GRCh38, chr11:74,343,360, plus strand): 5'-AGATTTTAATATTTACTACATACCAATAGACTCTTCAAATGCAAAAAGGACTTCTTTCCC[A>G]TTTTCCAGGAGGTCTATTATCCTACTTCCAATCCATTTAAAACCTGGTAATGTTTCCTGA-3'
Protein context (NP_775853.2, residues 415-435): IGSRIIDLLE[Asn425=]GKEVLFAFEE

ClinVar aggregate classification (germline): Likely benign (1 of 4 stars; one submission).

gnomAD v4.1: 5 of 1,609,592 alleles (0.00031%); highest among the groups gnomAD compares: Admixed American, 0.0068%; no homozygotes.

Submission:

CeGaT Center for Human Genetics Tuebingen
Classification: Likely benign. Last evaluated: 2026-07-01. Review status: criteria provided, single submitter. Criteria: CeGaT Center For Human Genetics Tuebingen Variant Classification Criteria Version 2. Collection method: clinical testing. Allele origin: germline. Affected: yes. Observed: 1 variant allele.
Comment: PGM2L1: BP4, BP7